The following is an entry in ClinVar:

ClinVar aggregate classification (germline): Uncertain significance (1 of 4 stars; one submission).

Conditions:
Early Myoclonic Encephalopathy. Identifiers: MedGen C0270855.

Allele frequency attached by ClinVar (database versions not stated): gnomAD 0.00001.
gnomAD v4.1: 1 of 1,614,032 alleles (0.000062%); highest among the groups gnomAD compares: African/African-American, 0.0013%; no homozygotes.

Submission:

Labcorp Genetics (formerly Invitae), Labcorp
Classification: Uncertain significance for Early Myoclonic Encephalopathy. Last evaluated: 2022-03-25. Review status: criteria provided, single submitter. Criteria: Invitae Variant Classification Sherloc (09022015). Collection method: clinical testing. Allele origin: germline.
Comment: In summary, the available evidence is currently insufficient to determine the role of this variant in disease. Therefore, it has been classified as a Variant of Uncertain Significance. Algorithms developed to predict the effect of missense changes on protein structure and function are either unavailable or do not agree on the potential impact of this missense change (SIFT: "Deleterious"; PolyPhen-2: "Benign"; Align-GVGD: "Class C0"). This variant has not been reported in the literature in individuals affected with JMJD1C-related conditions. This variant is present in population databases (no rsID available, gnomAD 0.01%). This sequence change replaces serine, which is neutral and polar, with threonine, which is neutral and polar, at codon 665 of the JMJD1C protein (p.Ser665Thr).

NM_032776.3(JMJD1C):c.1994G>C (p.Ser665Thr)

Gene: JMJD1C (jumonji domain containing 1C; minus strand). Cytogenetic location: 10q21.3.
Variant type: single nucleotide variant.
Coding change: c.1994G>C on transcript NM_032776.3 (MANE Select); coding-DNA position 1994, G replaced by C.
Protein change: p.Ser665Thr; replaces serine 665 with threonine.
Molecular consequence: missense variant. On other transcripts: non-coding transcript variant (1).
Genome position (GRCh38, 1-based): chr10:63,214,173, C>G on the plus strand (G>C on the coding strand, the complement: JMJD1C is on the minus strand). VCF-style: chr10-63214173-C-G. GRCh37 (hg19) VCF-style: chr10-64973933-C-G.
Other names: c.1448G>C, p.Ser483Thr (NM_001282948.2, NM_001318154.2); c.1130G>C, p.Ser377Thr (NM_001318153.2); c.1880G>C, p.Ser627Thr (NM_001322252.2); c.1337G>C, p.Ser446Thr (NM_001322254.2, NM_001322258.2); short protein forms S377T, S483T, S627T, S446T, S665T.
Identifiers: ClinVar variation 1949313 (VCV001949313.5), dbSNP rs1452127153, ClinGen allele CA377046925.